The following is an entry in ClinVar:

NM_015488.5(PNKD):c.236+3G>A

Gene: PNKD (PNKD metallo-beta-lactamase domain containing; plus strand). Cytogenetic location: 2q35.
Variant type: single nucleotide variant.
Coding change: c.236+3G>A on transcript NM_015488.5 (MANE Select); 3 bases into the intron after coding-DNA position 236, G replaced by A.
Molecular consequence: intron variant.
Genome position (GRCh38, 1-based): chr2:218,271,552, G>A. VCF-style: chr2-218271552-G-A. GRCh37 (hg19) VCF-style: chr2-219136275-G-A.
Other names: c.236+3G>A (NM_001077399.3).
Identifiers: ClinVar variation 4767748 (VCV004767748.1).

ClinVar aggregate classification (germline): Uncertain significance (1 of 4 stars; one submission).

Conditions:
Paroxysmal nonkinesigenic dyskinesia. Also called: Paroxysmal non-kinesigenic dyskinesia. Identifiers: Orphanet 98810, MedGen C1869117, MONDO:0700088.

Submission:

Labcorp Genetics (formerly Invitae), Labcorp
Classification: Uncertain significance for Paroxysmal nonkinesigenic dyskinesia. Last evaluated: 2025-10-22. Review status: criteria provided, single submitter. Criteria: Invitae Variant Classification Sherloc (09022015). Collection method: clinical testing. Allele origin: germline.
Comment: This sequence change falls in intron 2 of the PNKD gene. It does not directly change the encoded amino acid sequence of the PNKD protein. It affects a nucleotide within the consensus splice site. This variant is not present in population databases (gnomAD no frequency). This variant has not been reported in the literature in individuals affected with PNKD-related conditions. Variants that disrupt the consensus splice site are a relatively common cause of aberrant splicing (PMID: 17576681, 9536098). Algorithms developed to predict the effect of sequence changes on RNA splicing suggest that this variant is not likely to affect RNA splicing. In summary, the available evidence is currently insufficient to determine the role of this variant in disease. Therefore, it has been classified as a Variant of Uncertain Significance.

Literature cited by the submitters: PubMed 17576681; PubMed 9536098.